The following is an entry in ClinVar:

NM_002334.4(LRP4):c.1855C>T (p.His619Tyr)

Gene: LRP4 (LDL receptor related protein 4; minus strand). Cytogenetic location: 11p11.2.
Variant type: single nucleotide variant.
Coding change: c.1855C>T on transcript NM_002334.4 (MANE Select); coding-DNA position 1855, C replaced by T.
Protein change: p.His619Tyr; replaces histidine 619 with tyrosine.
Molecular consequence: missense variant.
Genome position (GRCh38, 1-based): chr11:46,890,337, G>A on the plus strand (C>T on the coding strand, the complement: LRP4 is on the minus strand). VCF-style: chr11-46890337-G-A. GRCh37 (hg19) VCF-style: chr11-46911888-G-A.
Other names: short protein forms H619Y.
Identifiers: ClinVar variation 2419999 (VCV002419999.5), dbSNP rs2539759405, ClinGen allele CA380282631.
Genomic context (GRCh38, chr11:46,890,337, plus strand): 5'-CCTGGCTAATGACAGCCTTACGGTGACTCCCATCCAGATTGGCCCTCTCGATGACATGGT[G>A]CTTAGCATCCACCCAGTACATACGGCGCCCGGCATAGTCGATGGTGAGGCCATTGGGCCA-3'
Protein context (NP_002325.2, residues 609-629): GRRMYWVDAK[His619Tyr]HVIERANLDG

ClinVar aggregate classification (germline): Uncertain significance (1 of 4 stars; one submission).

Conditions:
Cenani-Lenz syndactyly syndrome. Also called: CENANI SYNDACTYLISM; SYNDACTYLY, TYPE VII. Identifiers: Orphanet 3258, MedGen C1859309, MONDO:0008931, OMIM 212780.
Sclerosteosis 2 (SOST2). Identifiers: Orphanet 3152, MedGen C3280402, MONDO:0013679, OMIM 614305.
Congenital myasthenic syndrome 17. Identifiers: Orphanet 590, MedGen C4225377, MONDO:0014578, OMIM 616304.

gnomAD v4.1: 3 of 1,614,138 alleles (0.00019%); highest among the groups gnomAD compares: Non-Finnish European, 0.00017%; no homozygotes.

Submission:

Labcorp Genetics (formerly Invitae), Labcorp
Classification: Uncertain significance for Cenani-Lenz syndactyly syndrome; Sclerosteosis 2; Congenital myasthenic syndrome 17. Last evaluated: 2022-08-19. Review status: criteria provided, single submitter. Criteria: Invitae Variant Classification Sherloc (09022015). Collection method: clinical testing. Allele origin: germline.
Comment: This variant has not been reported in the literature in individuals affected with LRP4-related conditions. This variant is not present in population databases (gnomAD no frequency). This sequence change replaces histidine, which is basic and polar, with tyrosine, which is neutral and polar, at codon 619 of the LRP4 protein (p.His619Tyr). In summary, the available evidence is currently insufficient to determine the role of this variant in disease. Therefore, it has been classified as a Variant of Uncertain Significance. Algorithms developed to predict the effect of missense changes on protein structure and function (SIFT, PolyPhen-2, Align-GVGD) all suggest that this variant is likely to be disruptive.